The following is an entry in ClinVar:

NM_001346754.2(PIGW):c.824C>G (p.Ala275Gly)

Genes: MYO19 (myosin XIX; minus strand), PIGW (phosphatidylinositol glycan anchor biosynthesis class W; plus strand). Cytogenetic location: 17q12.
Variant type: single nucleotide variant.
Coding change: c.824C>G on transcript NM_001346754.2 (MANE Select); coding-DNA position 824, C replaced by G.
Protein change: p.Ala275Gly; replaces alanine 275 with glycine.
Molecular consequence: missense variant.
Genome position (GRCh38, 1-based): chr17:36,537,925, C>G. VCF-style: chr17-36537925-C-G. GRCh37 (hg19) VCF-style: chr17-34893774-C-G.
Other names: c.824C>G, p.Ala275Gly (NM_001346755.2, NM_178517.5); short protein forms A275G.
Identifiers: ClinVar variation 1497914 (VCV001497914.8), dbSNP rs560786982, ClinGen allele CA290116296.

ClinVar aggregate classification (germline): Uncertain significance (1 of 4 stars; one submission).

Conditions:
Hyperphosphatasia with intellectual disability syndrome 5 (GPIBD11). Also called: GLYCOSYLPHOSPHATIDYLINOSITOL BIOSYNTHESIS DEFECT 11. Identifiers: Orphanet 247262, MedGen C4014958, MONDO:0014457, OMIM 616025.

Allele frequency attached by ClinVar (database versions not stated): gnomAD exomes 0.00001; gnomAD 0.00002; 1000 Genomes Project 30x 0.00031; 1000 Genomes Project 0.00040.
gnomAD v4.1: 15 of 1,614,046 alleles (0.00093%); highest among the groups gnomAD compares: South Asian, 0.016%; 1 homozygote.

Submission:

Labcorp Genetics (formerly Invitae), Labcorp
Classification: Uncertain significance for Hyperphosphatasia with intellectual disability syndrome 5. Last evaluated: 2023-12-22. Review status: criteria provided, single submitter. Criteria: Invitae Variant Classification Sherloc (09022015). Collection method: clinical testing. Allele origin: germline.
Comment: This sequence change replaces alanine, which is neutral and non-polar, with glycine, which is neutral and non-polar, at codon 275 of the PIGW protein (p.Ala275Gly). This variant is present in population databases (rs560786982, gnomAD 0.006%). This variant has not been reported in the literature in individuals affected with PIGW-related conditions. ClinVar contains an entry for this variant (Variation ID: 1497914). Advanced modeling of protein sequence and biophysical properties (such as structural, functional, and spatial information, amino acid conservation, physicochemical variation, residue mobility, and thermodynamic stability) performed at Invitae indicates that this missense variant is not expected to disrupt PIGW protein function with a negative predictive value of 80%. In summary, the available evidence is currently insufficient to determine the role of this variant in disease. Therefore, it has been classified as a Variant of Uncertain Significance.